The following is an entry in ClinVar:

ClinVar aggregate classification (germline): Uncertain significance (1 of 4 stars; one submission).

Conditions:
Joubert syndrome. Also called: CEREBELLOPARENCHYMAL DISORDER IV; JOUBERT-BOLTSHAUSER SYNDROME; Familial aplasia of the vermis. Identifiers: Orphanet 475, MedGen C5979921, MONDO:0018772.
Orofaciodigital syndrome I (OFD1). Also called: OFDS I; Papillon-Leage and Psaume Syndrome; Oral-Facial-Digital Syndrome Type I. Identifiers: Orphanet 2750, MedGen C1510460, MONDO:0010702, OMIM 311200.

Allele frequency attached by ClinVar (database versions not stated): ExAC 0.00001; gnomAD 0.00002; gnomAD exomes 0.00002; TOPMed 0.00002.

Submission:

Labcorp Genetics (formerly Invitae), Labcorp
Classification: Uncertain significance for Orofaciodigital syndrome I; Joubert syndrome. Last evaluated: 2026-01-08. Review status: criteria provided, single submitter. Criteria: Invitae Variant Classification Sherloc (09022015). Collection method: clinical testing. Allele origin: germline.
Comment: This sequence change replaces lysine, which is basic and polar, with methionine, which is neutral and non-polar, at codon 927 of the OFD1 protein (p.Lys927Met). This variant is present in population databases (rs778647366, gnomAD 0.001%). This variant has not been reported in the literature in individuals affected with OFD1-related conditions. ClinVar contains an entry for this variant (Variation ID: 1950031). Invitae Evidence Modeling of protein sequence and biophysical properties (such as structural, functional, and spatial information, amino acid conservation, physicochemical variation, residue mobility, and thermodynamic stability) indicates that this missense variant is not expected to disrupt OFD1 protein function with a negative predictive value of 80%. In summary, the available evidence is currently insufficient to determine the role of this variant in disease. Therefore, it has been classified as a Variant of Uncertain Significance.

NM_003611.3(OFD1):c.2780A>T (p.Lys927Met)

Gene: OFD1 (OFD1 centriole and centriolar satellite protein; plus strand). Cytogenetic location: Xp22.2.
Variant type: single nucleotide variant.
Coding change: c.2780A>T on transcript NM_003611.3 (MANE Select); coding-DNA position 2780, A replaced by T.
Protein change: p.Lys927Met; replaces lysine 927 with methionine.
Molecular consequence: missense variant.
Genome position (GRCh38, 1-based): chrX:13,768,076, A>T. VCF-style: chrX-13768076-A-T. GRCh37 (hg19) VCF-style: chrX-13786195-A-T.
Other names: c.2660A>T, p.Lys887Met (NM_001330209.2); c.2360A>T, p.Lys787Met (NM_001330210.2); short protein forms K927M, K787M, K887M.
Identifiers: ClinVar variation 1950031 (VCV001950031.5), dbSNP rs778647366, ClinGen allele CA10352083.
Genomic context (GRCh38, chrX:13,768,076, plus strand): 5'-GTATTTGTGTATTTTCTGTTTTGGTGCCTGTTTTATAGAAGATGATTGAAGAATCACTGA[A>T]GATTAAAATAAAAAAGGAATTAGAAATGGAAAATGAATTAGAAATGAGTAATCAAGAAAT-3'
Protein context (NP_003602.1, residues 917-937): QERKMIEESL[Lys927Met]IKIKKELEME